The following is an entry in ClinVar:

NM_001276270.2(MBD4):c.419A>G (p.Asp140Gly)

Gene: MBD4 (methyl-CpG binding domain 4, DNA glycosylase; minus strand). Cytogenetic location: 3q21.3.
Variant type: single nucleotide variant.
Coding change: c.419A>G on transcript NM_001276270.2 (MANE Select); coding-DNA position 419, A replaced by G.
Protein change: p.Asp140Gly; replaces aspartic acid 140 with glycine.
Molecular consequence: missense variant. On other transcripts: intron variant (1).
Genome position (GRCh38, 1-based): chr3:129,437,225, T>C on the plus strand (A>G on the coding strand, the complement: MBD4 is on the minus strand). VCF-style: chr3-129437225-T-C. GRCh37 (hg19) VCF-style: chr3-129156068-T-C.
Other names: c.419A>G, p.Asp140Gly (NM_001276271.2, NM_001276272.2, NM_003925.3); c.247+583A>G (NM_001276273.2); short protein forms D140G.
Identifiers: ClinVar variation 4804115 (VCV004804115.1).

ClinVar aggregate classification (germline): Uncertain significance (1 of 4 stars; one submission).

Submission:

Labcorp Genetics (formerly Invitae), Labcorp
Classification: Uncertain significance. Last evaluated: 2025-12-28. Review status: criteria provided, single submitter. Criteria: Invitae Variant Classification Sherloc (09022015). Collection method: clinical testing. Allele origin: germline.
Comment: This sequence change replaces aspartic acid, which is acidic and polar, with glycine, which is neutral and non-polar, at codon 140 of the MBD4 protein (p.Asp140Gly). This variant is not present in population databases (gnomAD no frequency). This variant has not been reported in the literature in individuals affected with MBD4-related conditions. An algorithm developed to predict the effect of missense changes on protein structure and function (PolyPhen-2) suggests that this variant is likely to be disruptive. Algorithms developed to predict the effect of sequence changes on RNA splicing suggest that this variant may disrupt the consensus splice site. In summary, the available evidence is currently insufficient to determine the role of this variant in disease. Therefore, it has been classified as a Variant of Uncertain Significance.